The following is an entry in ClinVar:

NM_001458.5(FLNC):c.3713T>G (p.Phe1238Cys)

Gene: FLNC (filamin C; plus strand). Cytogenetic location: 7q32.1.
Variant type: single nucleotide variant.
Coding change: c.3713T>G on transcript NM_001458.5 (MANE Select); coding-DNA position 3713, T replaced by G.
Protein change: p.Phe1238Cys; replaces phenylalanine 1238 with cysteine.
Molecular consequence: missense variant.
Genome position (GRCh38, 1-based): chr7:128,845,178, T>G. VCF-style: chr7-128845178-T-G. GRCh37 (hg19) VCF-style: chr7-128485232-T-G.
Other names: c.3713T>G, p.Phe1238Cys (NM_001127487.2); short protein forms F1238C.
Identifiers: ClinVar variation 1042874 (VCV001042874.9), dbSNP rs777798089, ClinGen allele CA369197805.
Genomic context (GRCh38, chr7:128,845,178, plus strand): 5'-CTGCCTTCCCTGGCACCTACACCATTACCATCAAGTATGGCGGGCATCCCGTGCCCAAAT[T>G]CCCCACCCGTGTCCATGTGCAGCCTGCGGTCGATACCAGTGGCGTCAAGGTCTCAGGGCC-3'
Protein context (NP_001449.3, residues 1228-1248): IKYGGHPVPK[Phe1238Cys]PTRVHVQPAV

ClinVar aggregate classification (germline): Uncertain significance (1 of 4 stars; one submission).

Conditions:
Myofibrillar myopathy 5. Also called: FILAMINOPATHY, AUTOSOMAL DOMINANT; Filaminopathy (type). Identifiers: Orphanet 171445, MedGen C1836050, MONDO:0012289, OMIM 609524.
Distal myopathy with posterior leg and anterior hand involvement. Also called: WILLIAMS DISTAL MYOPATHY. Identifiers: Orphanet 63273, MedGen C3279722, MONDO:0013550, OMIM 614065.
Hypertrophic cardiomyopathy 26. Also called: Cardiomyopathy, familial hypertrophic, 26. Identifiers: Orphanet 75249, MedGen C4310749, MONDO:0014883, OMIM 617047.

Submission:

Labcorp Genetics (formerly Invitae), Labcorp
Classification: Uncertain significance for Distal myopathy with posterior leg and anterior hand involvement; Myofibrillar myopathy 5; Hypertrophic cardiomyopathy 26. Last evaluated: 2023-04-24. Review status: criteria provided, single submitter. Criteria: Invitae Variant Classification Sherloc (09022015). Collection method: clinical testing. Allele origin: germline.
Comment: In summary, the available evidence is currently insufficient to determine the role of this variant in disease. Therefore, it has been classified as a Variant of Uncertain Significance. Advanced modeling of protein sequence and biophysical properties (such as structural, functional, and spatial information, amino acid conservation, physicochemical variation, residue mobility, and thermodynamic stability) has been performed at Invitae for this missense variant, however the output from this modeling did not meet the statistical confidence thresholds required to predict the impact of this variant on FLNC protein function. This variant has not been reported in the literature in individuals affected with FLNC-related conditions. This variant is not present in population databases (gnomAD no frequency). This sequence change replaces phenylalanine, which is neutral and non-polar, with cysteine, which is neutral and slightly polar, at codon 1238 of the FLNC protein (p.Phe1238Cys).